The following is an entry in ClinVar:

ClinVar aggregate classification (germline): Uncertain significance (1 of 4 stars; one submission).

Conditions:
Long QT syndrome (LQTS). Identifiers: MedGen C0023976, MeSH D008133, MONDO:0002442. Disease mechanism: loss of function. Inheritance: Various modes of inheritance.

Allele frequency attached by ClinVar (database versions not stated): gnomAD exomes below 0.00001; gnomAD 0.00001.
gnomAD v4.1: 2 of 1,613,892 alleles (0.00012%); highest among the groups gnomAD compares: Admixed American, 0.0017%; no homozygotes.

Submission:

Labcorp Genetics (formerly Invitae), Labcorp
Classification: Uncertain significance for Long QT syndrome. Last evaluated: 2023-12-04. Review status: criteria provided, single submitter. Criteria: Invitae Variant Classification Sherloc (09022015). Collection method: clinical testing. Allele origin: germline.
Comment: This sequence change replaces proline, which is neutral and non-polar, with serine, which is neutral and polar, at codon 3278 of the ANK2 protein (p.Pro3278Ser). This variant is not present in population databases (gnomAD no frequency). This variant has not been reported in the literature in individuals affected with ANK2-related conditions. ClinVar contains an entry for this variant (Variation ID: 2089348). An algorithm developed to predict the effect of missense changes on protein structure and function (PolyPhen-2) suggests that this variant is likely to be disruptive. In summary, the available evidence is currently insufficient to determine the role of this variant in disease. Therefore, it has been classified as a Variant of Uncertain Significance.

NM_001148.6(ANK2):c.9832C>T (p.Pro3278Ser)

Gene: ANK2 (ankyrin 2; plus strand). Cytogenetic location: 4q26.
Variant type: single nucleotide variant.
Coding change: c.9832C>T on transcript NM_001148.6 (MANE Select); coding-DNA position 9832, C replaced by T.
Protein change: p.Pro3278Ser; replaces proline 3278 with serine.
Molecular consequence: missense variant. On other transcripts: intron variant (68).
Genome position (GRCh38, 1-based): chr4:113,358,450, C>T. VCF-style: chr4-113358450-C-T. GRCh37 (hg19) VCF-style: chr4-114279606-C-T.
Other names: c.9598C>T, p.Pro3200Ser (NM_001386142.1); c.6232C>T, p.Pro2078Ser (NM_001386166.1); c.9973C>T, p.Pro3325Ser (NM_001386174.1); c.9949C>T, p.Pro3317Ser (NM_001386175.1); c.4412-2373C>T (NM_001386186.2, NM_001386148.2); c.4214-2373C>T (NM_001354269.3); c.4292-2373C>T (NM_001386187.2); c.4253-2373C>T (NM_001386147.1); and 35 more; short protein forms P3278S, P3317S, P2078S, P3200S, P3325S.
Identifiers: ClinVar variation 2089348 (VCV002089348.4), dbSNP rs2095960314, ClinGen allele CA357939099.